The following is an entry in ClinVar:

ClinVar aggregate classification (germline): Uncertain significance (1 of 4 stars; one submission).

gnomAD v4.1: 6 of 1,614,272 alleles (0.00037%); highest among the groups gnomAD compares: Non-Finnish European, 0.00017%; no homozygotes.

Submission:

Labcorp Genetics (formerly Invitae), Labcorp
Classification: Uncertain significance. Last evaluated: 2024-10-30. Review status: criteria provided, single submitter. Criteria: Invitae Variant Classification Sherloc (09022015). Collection method: clinical testing. Allele origin: germline.
Comment: This sequence change replaces histidine, which is basic and polar, with glutamine, which is neutral and polar, at codon 226 of the SYNPO protein (p.His226Gln). This variant is present in population databases (rs748443057, gnomAD 0.003%). This variant has not been reported in the literature in individuals affected with SYNPO-related conditions. An algorithm developed to predict the effect of missense changes on protein structure and function (PolyPhen-2) suggests that this variant is likely to be disruptive. In summary, the available evidence is currently insufficient to determine the role of this variant in disease. Therefore, it has been classified as a Variant of Uncertain Significance.

NM_007286.6(SYNPO):c.678C>A (p.His226Gln)

Gene: SYNPO (synaptopodin; plus strand). Cytogenetic location: 5q33.1.
Variant type: single nucleotide variant.
Coding change: c.678C>A on transcript NM_007286.6 (MANE Select); coding-DNA position 678, C replaced by A.
Protein change: p.His226Gln; replaces histidine 226 with glutamine.
Molecular consequence: missense variant.
Genome position (GRCh38, 1-based): chr5:150,648,953, C>A. VCF-style: chr5-150648953-C-A. GRCh37 (hg19) VCF-style: chr5-150028515-C-A.
Other names: c.1410C>A, p.His470Gln (NM_001166209.2, NM_001166208.2); c.678C>A, p.His226Gln (NM_001109974.3); short protein forms H470Q, H226Q.
Identifiers: ClinVar variation 3698925 (VCV003698925.2).